The following is an entry in ClinVar:

NM_024334.3(TMEM43):c.21T>G (p.Ser7Arg)

Gene: TMEM43 (transmembrane protein 43; plus strand). Cytogenetic location: 3p25.1.
Variant type: single nucleotide variant.
Coding change: c.21T>G on transcript NM_024334.3 (MANE Select); coding-DNA position 21, T replaced by G.
Protein change: p.Ser7Arg; replaces serine 7 with arginine.
Molecular consequence: missense variant.
Genome position (GRCh38, 1-based): chr3:14,129,420, T>G. VCF-style: chr3-14129420-T-G. GRCh37 (hg19) VCF-style: chr3-14170920-T-G.
Other names: short protein forms S7R.
Identifiers: ClinVar variation 661757 (VCV000661757.4), dbSNP rs371236613, ClinGen allele CA052266.
Genomic context (GRCh38, chr3:14,129,420, plus strand): 5'-AATTTATTTTTAAAAACTAGTTTTCATTCTGTTACTGTTTCTTTTTCTTCAGTATTCCAG[T>G]ACCAGTACCCGGAGAGAACATGTCAAAGTTAAAACCAGCTCCCAGCCAGGCTTCCTGGAA-3'
Protein context (NP_077310.1, residues 1-17): MAANYS[Ser7Arg]TSTRREHVKV

ClinVar aggregate classification (germline): Uncertain significance (1 of 4 stars; one submission).

Conditions:
Arrhythmogenic right ventricular dysplasia 5. Also called: ARRHYTHMOGENIC RIGHT VENTRICULAR DYSPLASIA, FAMILIAL, 5; Arrhythmogenic Right Ventricular Dysplasia/Cardiomyopathy 5. Identifiers: MedGen C1858379, MONDO:0011459, OMIM 604400.

Allele frequency attached by ClinVar (database versions not stated): TOPMed below 0.00001; ESP Exome Variant Server 0.00008.
gnomAD v4.1: 2 of 1,613,242 alleles (0.00012%); highest among the groups gnomAD compares: Non-Finnish European, 0.00017%; no homozygotes.

Submission:

Labcorp Genetics (formerly Invitae), Labcorp
Classification: Uncertain significance for Arrhythmogenic right ventricular dysplasia 5. Last evaluated: 2023-10-18. Review status: criteria provided, single submitter. Criteria: Invitae Variant Classification Sherloc (09022015). Collection method: clinical testing. Allele origin: germline.
Comment: This sequence change replaces serine, which is neutral and polar, with arginine, which is basic and polar, at codon 7 of the TMEM43 protein (p.Ser7Arg). This variant is present in population databases (rs371236613, gnomAD 0.0009%). This variant has not been reported in the literature in individuals affected with TMEM43-related conditions. ClinVar contains an entry for this variant (Variation ID: 661757). An algorithm developed to predict the effect of missense changes on protein structure and function (PolyPhen-2) suggests that this variant is likely to be tolerated. In summary, the available evidence is currently insufficient to determine the role of this variant in disease. Therefore, it has been classified as a Variant of Uncertain Significance.